The following is an entry in ClinVar:

ClinVar aggregate classification (germline): Pathogenic/Likely pathogenic. Review status: criteria provided, multiple submitters, no conflicts (2 of 4 stars). 2 submissions from 2 submitters: Pathogenic (1); Likely pathogenic (1). Last evaluated 2023-10-13.

Conditions:
Charcot-Marie-Tooth disease axonal type 2C (HMSN2C). Also called: CHARCOT-MARIE-TOOTH DISEASE, AXONAL, AUTOSOMAL DOMINANT, TYPE 2C; Charcot-Marie-Tooth Neuropathy Type 2C; Charcot-Marie-Tooth Disease Type 2, TRPV4-Related (CMT2C). Identifiers: Orphanet 99937, MedGen C1853710, MONDO:0011633, OMIM 606071.
TRPV4-related disorder. Also called: TRPV4-related disorders; TRPV4-related condition.

Submissions (2):

Labcorp Genetics (formerly Invitae), Labcorp
Classification: Pathogenic for Charcot-Marie-Tooth disease axonal type 2C. Last evaluated: 2023-10-13. Review status: criteria provided, single submitter. Criteria: Invitae Variant Classification Sherloc (09022015). Collection method: clinical testing. Allele origin: germline.
Comment: This sequence change replaces proline, which is neutral and non-polar, with histidine, which is basic and polar, at codon 827 of the TRPV4 protein (p.Pro827His). This variant is not present in population databases (gnomAD no frequency). This missense change has been observed in individual(s) with clinical features of TRPV4-related conditions (Invitae). In at least one individual the variant was observed to be de novo. ClinVar contains an entry for this variant (Variation ID: 1489986). Advanced modeling of protein sequence and biophysical properties (such as structural, functional, and spatial information, amino acid conservation, physicochemical variation, residue mobility, and thermodynamic stability) performed at Invitae indicates that this missense variant is expected to disrupt TRPV4 protein function. For these reasons, this variant has been classified as Pathogenic.

PreventionGenetics, part of Exact Sciences
Classification: Likely pathogenic for TRPV4-related condition. Last evaluated: 2023-10-13. Review status: criteria provided, single submitter. Criteria: ACMG Guidelines, 2015. Collection method: clinical testing. Allele origin: germline.
Comment: The TRPV4 c.2480C>A variant is predicted to result in the amino acid substitution p.Pro827His. To our knowledge, this variant has not been reported in the literature or in a large population database, indicating this variant is rare. This variant has been interpreted as likely pathogenic by a single submitter in ClinVar stating that this variant was found to be de novo in a patient with TRPV4-related disease. At this time, the clinical significance of this variant is uncertain due to the absence of conclusive functional and genetic evidence.

NM_021625.5(TRPV4):c.2480C>A (p.Pro827His)

Gene: TRPV4 (transient receptor potential cation channel subfamily V member 4; minus strand). Cytogenetic location: 12q24.11.
Variant type: single nucleotide variant.
Coding change: c.2480C>A on transcript NM_021625.5 (MANE Select); coding-DNA position 2480, C replaced by A.
Protein change: p.Pro827His; replaces proline 827 with histidine.
Molecular consequence: missense variant.
Genome position (GRCh38, 1-based): chr12:109,783,757, G>T on the plus strand (C>A on the coding strand, the complement: TRPV4 is on the minus strand). VCF-style: chr12-109783757-G-T. GRCh37 (hg19) VCF-style: chr12-110221562-G-T.
Other names: c.2339C>A, p.Pro780His (NM_001177428.2); c.2378C>A, p.Pro793His (NM_001177431.2); c.2159C>A, p.Pro720His (NM_001177433.2); c.2300C>A, p.Pro767His (NM_147204.3); short protein forms P793H, P720H, P767H, P780H, P827H.
Identifiers: ClinVar variation 1489986 (VCV001489986.6), dbSNP rs2136413100, ClinGen allele CA386648625.